The following is an entry in ClinVar:

NM_005876.5(SPEG):c.3163C>T (p.Arg1055Trp)

Gene: SPEG (striated muscle enriched protein kinase; plus strand). Cytogenetic location: 2q35.
Variant type: single nucleotide variant.
Coding change: c.3163C>T on transcript NM_005876.5 (MANE Select); coding-DNA position 3163, C replaced by T.
Protein change: p.Arg1055Trp; replaces arginine 1055 with tryptophan.
Molecular consequence: missense variant.
Genome position (GRCh38, 1-based): chr2:219,468,598, C>T. VCF-style: chr2-219468598-C-T. GRCh37 (hg19) VCF-style: chr2-220333320-C-T.
Other names: short protein forms R1055W.
Identifiers: ClinVar variation 931120 (VCV000931120.3), dbSNP rs1202116887, ClinGen allele CA350744586.
Genomic context (GRCh38, chr2:219,468,598, plus strand): 5'-CTTAGCCTTCCCTATCTCTGAGCTGCCCCCTGCCCCACAGATGAGCTGACCTGCAGTGCC[C>T]GGCTGACCGTGCGGCCCTCGTTGGCACCCCTGTTCACACGGCTGCTGGAAGATGTGGAGG-3'
Protein context (NP_005867.3, residues 1045-1065): TAKDELTCSA[Arg1055Trp]LTVRPSLAPL

ClinVar aggregate classification (germline): Uncertain significance (1 of 4 stars; one submission).

Conditions:
Myopathy, centronuclear, 5 (CNM5). Identifiers: Orphanet 169186, MedGen C4014814, MONDO:0014418, OMIM 615959.

Allele frequency attached by ClinVar (database versions not stated): TOPMed below 0.00001; gnomAD 0.00001; gnomAD exomes 0.00001.
gnomAD v4.1: 11 of 1,613,104 alleles (0.00068%); highest among the groups gnomAD compares: Middle Eastern, 0.035%; no homozygotes.

Submission:

Centre for Mendelian Genomics, University Medical Centre Ljubljana
Classification: Uncertain significance for Myopathy, centronuclear, 5. Last evaluated: 2019-05-06. Review status: criteria provided, single submitter. Criteria: ACMG Guidelines, 2015. Collection method: clinical testing. Allele origin: unknown. Affected: yes.
Comment: This variant was classified as: Uncertain significance. The available evidence on this variant's pathogenicity is insufficient or conflicting. The following ACMG criteria were applied in classifying this variant: PM2,PP3.